The following is an entry in ClinVar:

NM_004006.3(DMD):c.8793G>C (p.Glu2931Asp)

Gene: DMD (dystrophin; minus strand). Cytogenetic location: Xp21.2.
Variant type: single nucleotide variant.
Coding change: c.8793G>C on transcript NM_004006.3 (MANE Select); coding-DNA position 8793, G replaced by C.
Protein change: p.Glu2931Asp; replaces glutamic acid 2931 with aspartic acid.
Molecular consequence: missense variant.
Genome position (GRCh38, 1-based): chrX:31,478,250, C>G on the plus strand (G>C on the coding strand, the complement: DMD is on the minus strand). VCF-style: chrX-31478250-C-G. GRCh37 (hg19) VCF-style: chrX-31496367-C-G.
Other names: c.8769G>C, p.Glu2923Asp (NM_000109.4); c.8781G>C, p.Glu2927Asp (NM_004009.3); c.8424G>C, p.Glu2808Asp (NM_004010.3); c.4770G>C, p.Glu1590Asp (NM_004011.4); c.4761G>C, p.Glu1587Asp (NM_004012.4); c.1413G>C, p.Glu471Asp (NM_004013.3, NM_004020.4, NM_004021.3 and 2 more transcripts); c.606G>C, p.Glu202Asp (NM_004014.3); short protein forms E202D, E2808D, E2923D, E2931D, E1590D, E471D, E1587D, E2927D.
Identifiers: ClinVar variation 2800338 (VCV002800338.3), dbSNP rs2525297255, ClinGen allele CA412654141.

ClinVar aggregate classification (germline): Uncertain significance (1 of 4 stars; one submission).

Conditions:
Duchenne muscular dystrophy (DMD). Also called: MUSCULAR DYSTROPHY, PSEUDOHYPERTROPHIC PROGRESSIVE, DUCHENNE TYPE; Duchenne Muscular Dystrophy (DMD). Identifiers: Orphanet 98896, MedGen C0013264, MONDO:0010679, OMIM 310200.

Submission:

Labcorp Genetics (formerly Invitae), Labcorp
Classification: Uncertain significance for Duchenne muscular dystrophy. Last evaluated: 2023-05-08. Review status: criteria provided, single submitter. Criteria: Invitae Variant Classification Sherloc (09022015). Collection method: clinical testing. Allele origin: germline.
Comment: In summary, the available evidence is currently insufficient to determine the role of this variant in disease. Therefore, it has been classified as a Variant of Uncertain Significance. Advanced modeling of protein sequence and biophysical properties (such as structural, functional, and spatial information, amino acid conservation, physicochemical variation, residue mobility, and thermodynamic stability) performed at Invitae indicates that this missense variant is not expected to disrupt DMD protein function. This variant has not been reported in the literature in individuals affected with DMD-related conditions. This variant is not present in population databases (gnomAD no frequency). This sequence change replaces glutamic acid, which is acidic and polar, with aspartic acid, which is acidic and polar, at codon 2931 of the DMD protein (p.Glu2931Asp).